The following is an entry in ClinVar:

NM_001961.4(EEF2):c.1738C>T (p.Arg580Cys)

Gene: EEF2 (eukaryotic translation elongation factor 2; minus strand). Cytogenetic location: 19p13.3.
Variant type: single nucleotide variant.
Coding change: c.1738C>T on transcript NM_001961.4 (MANE Select); coding-DNA position 1738, C replaced by T.
Protein change: p.Arg580Cys; replaces arginine 580 with cysteine.
Molecular consequence: missense variant.
Genome position (GRCh38, 1-based): chr19:3,978,148, G>A on the plus strand (C>T on the coding strand, the complement: EEF2 is on the minus strand). VCF-style: chr19-3978148-G-A. GRCh37 (hg19) VCF-style: chr19-3978146-G-A.
Other names: short protein forms R580C.
Identifiers: ClinVar variation 3571833 (VCV003571833.1).

ClinVar aggregate classification (germline): Uncertain significance (1 of 4 stars; one submission).

Submission:

Athena Diagnostics
Classification: Uncertain significance. Last evaluated: 2024-06-18. Review status: criteria provided, single submitter. Criteria: Athena Diagnostics Criteria. Collection method: clinical testing. Allele origin: unknown.
Comment: Available data are insufficient to determine the clinical significance of the variant at this time. The frequency of this variant in the general population is uninformative in assessment of its pathogenicity. Polyphen and MutationTaster predict this amino acid change may be damaging to the protein.